The following is an entry in ClinVar:

ClinVar aggregate classification (germline): Benign (1 of 4 stars; one submission).

Conditions:
Familial colorectal cancer type X. Identifiers: Orphanet 440437, MedGen C3896578, MONDO:0018604.

gnomAD v4.1: 3 of 1,551,396 alleles (0.00019%); highest among the groups gnomAD compares: African/African-American, 0.0014%; no homozygotes.

Submission:

Myriad Genetics, Inc.
Classification: Benign for Familial colorectal cancer type X. Last evaluated: 2026-08-05. Review status: criteria provided, single submitter. Criteria: Myriad Autosomal Dominant, Autosomal Recessive and X-Linked Classification Criteria (2023). Collection method: clinical testing. Allele origin: unknown.
Comment: This variant is considered benign. This variant occurs in the non-coding 3' untranslated region of the gene, and is not expected to impact protein function.

NM_001146227.3(RPS20):c.*9T>A

Gene: RPS20 (ribosomal protein S20; minus strand). Cytogenetic location: 8q12.1.
Variant type: single nucleotide variant.
Coding change: c.*9T>A on transcript NM_001146227.3; 9 bases downstream of the stop codon, T replaced by A.
Molecular consequence: 3 prime UTR variant.
Genome position (GRCh38, 1-based): chr8:56,069,729, A>T on the plus strand (T>A on the coding strand, the complement: RPS20 is on the minus strand). VCF-style: chr8-56069729-A-T. GRCh37 (hg19) VCF-style: chr8-56982288-A-T.
Identifiers: ClinVar variation 5042374 (VCV005042374.1).
Genomic context (GRCh38, chr8:56,069,729, plus strand): 5'-TACACTTCAGCTTTGGCTGTTTCTCCACTTATACCTGCTTGGTCACTTTTTTGGCGGAGG[A>T]GAATGCAGTTAAAAAGGACATGTCCCCGGGGATTCGAATACACTTCTCAAAGTGTACTGC-3'